The following is an entry in ClinVar:

ClinVar aggregate classification (germline): Uncertain significance (1 of 4 stars; one submission).

Submission:

GeneDx
Classification: Uncertain significance. Last evaluated: 2019-06-12. Review status: criteria provided, single submitter. Criteria: GeneDx Variant Classification Process June 2021. Collection method: clinical testing. Allele origin: germline. Affected: yes.
Comment: In silico analysis, which includes protein predictors and evolutionary conservation, supports that this variant does not alter protein structure/function; Has not been previously published as pathogenic or benign to our knowledge

NM_014846.4(WASHC5):c.3103C>G (p.Arg1035Gly)

Gene: WASHC5 (WASH complex subunit 5; minus strand). Cytogenetic location: 8q24.13.
Variant type: single nucleotide variant.
Coding change: c.3103C>G on transcript NM_014846.4 (MANE Select); coding-DNA position 3103, C replaced by G.
Protein change: p.Arg1035Gly; replaces arginine 1035 with glycine.
Molecular consequence: missense variant.
Genome position (GRCh38, 1-based): chr8:125,037,315, G>C on the plus strand (C>G on the coding strand, the complement: WASHC5 is on the minus strand). VCF-style: chr8-125037315-G-C. GRCh37 (hg19) VCF-style: chr8-126049557-G-C.
Other names: c.2659C>G, p.Arg887Gly (NM_001330609.2); short protein forms R1035G, R887G.
Identifiers: ClinVar variation 1306430 (VCV001306430.2), dbSNP rs758843087, ClinGen allele CA4873310.